The following is an entry in ClinVar:

ClinVar aggregate classification (germline): Benign. Review status: criteria provided, single submitter (1 of 4 stars). 2 submissions from 2 submitters: Benign (1). 1 of the submissions does not count toward it. Last evaluated 2019-08-06.

Conditions:
TBX3-related disorder. Also called: TBX3-related condition.

Submissions (2):

GeneDx
Classification: Benign. Last evaluated: 2019-08-06. Review status: criteria provided, single submitter. Criteria: GeneDx Variant Classification Process June 2021. Collection method: clinical testing. Allele origin: germline. Affected: yes.

PreventionGenetics, part of Exact Sciences
Classification: Benign for TBX3-related condition. Last evaluated: 2022-07-19. Review status: no assertion criteria provided. Collection method: clinical testing. Allele origin: germline. Not counted in ClinVar's aggregate classification.
Comment: This variant is classified as benign based on ACMG/AMP sequence variant interpretation guidelines (Richards et al. 2015 PMID: 25741868, with internal and published modifications).

NM_005996.4(TBX3):c.-895TC[13]

Genes: TBX3 (T-box transcription factor 3; minus strand), TBX3-AS1 (TBX3 antisense RNA 1; plus strand). Cytogenetic location: 12q24.21.
Variant type: Microsatellite.
Coding change: c.-895TC[13] on transcript NM_005996.4 (MANE Select); 13 copies in a row of the 2-base unit TC starting at c.-895; the reference has 12 copies in a row; one copy, 2 bases duplicated.
Molecular consequence: 5 prime UTR variant.
Genome position (GRCh38, 1-based): chr12:114,684,072-114,684,073, GA duplicated on the plus strand (TC on the coding strand, the reverse complement: TBX3 is on the minus strand); duplicating any 2 consecutive bases within chr12:114,684,072-114,684,095 gives the same sequence; the position shown is the placement nearest the transcript's 3' end. VCF-style (leftmost placement, unchanged base first): chr12-114684071-G-GGA. GRCh37 (hg19) VCF-style: chr12-115121876-G-GGA.
Other names: c.-895TC[13] (NM_016569.4); c.-873_-872dupTC (NM_016569.3).
Identifiers: ClinVar variation 1232587 (VCV001232587.5), dbSNP rs57078153, ClinGen allele CA244156129.